The following is an entry in ClinVar:

NM_001080449.3(DNA2):c.1999G>T (p.Ala667Ser)

Gene: DNA2 (DNA replication helicase/nuclease 2; minus strand). Cytogenetic location: 10q21.3.
Variant type: single nucleotide variant.
Coding change: c.1999G>T on transcript NM_001080449.3 (MANE Select); coding-DNA position 1999, G replaced by T.
Protein change: p.Ala667Ser; replaces alanine 667 with serine.
Molecular consequence: missense variant.
Genome position (GRCh38, 1-based): chr10:68,430,645, C>A on the plus strand (G>T on the coding strand, the complement: DNA2 is on the minus strand). VCF-style: chr10-68430645-C-A. GRCh37 (hg19) VCF-style: chr10-70190402-C-A.
Other names: short protein forms A667S.
Identifiers: ClinVar variation 2272797 (VCV002272797.5), dbSNP rs200069526, ClinGen allele CA5524906.

ClinVar aggregate classification (germline): Uncertain significance. Review status: criteria provided, multiple submitters, no conflicts (2 of 4 stars). 2 submissions from 2 submitters: Uncertain significance (2). Last evaluated 2024-03-28.

Conditions:
Inborn genetic diseases. Identifiers: MedGen C0950123, MeSH D030342.

gnomAD v4.1: 6 of 1,588,146 alleles (0.00038%); highest among the groups gnomAD compares: African/African-American, 0.0054%; no homozygotes.

Submissions (3):

Labcorp Genetics (formerly Invitae), Labcorp
Classification: Uncertain significance. Last evaluated: 2024-03-28. Review status: criteria provided, single submitter. Criteria: Invitae Variant Classification Sherloc (09022015). Collection method: clinical testing. Allele origin: germline.
Comment: This sequence change replaces alanine, which is neutral and non-polar, with serine, which is neutral and polar, at codon 667 of the DNA2 protein (p.Ala667Ser). The frequency data for this variant in the population databases is considered unreliable, as metrics indicate poor data quality at this position in the gnomAD database. This variant has not been reported in the literature in individuals affected with DNA2-related conditions. ClinVar contains an entry for this variant (Variation ID: 2272797). Advanced modeling of protein sequence and biophysical properties (such as structural, functional, and spatial information, amino acid conservation, physicochemical variation, residue mobility, and thermodynamic stability) performed at Invitae indicates that this missense variant is not expected to disrupt DNA2 protein function with a negative predictive value of 80%. In summary, the available evidence is currently insufficient to determine the role of this variant in disease. Therefore, it has been classified as a Variant of Uncertain Significance.

Ambry Genetics
Classification: Uncertain significance for Inborn genetic diseases. Last evaluated: 2022-01-26. Review status: criteria provided, single submitter. Criteria: Ambry Variant Classification Scheme 2023. Collection method: clinical testing. Allele origin: germline.

Dr. Peter K. Rogan Lab, Western University
No classification provided (evidence only). Condition: Uterine carcinosarcoma. Review status: no classification provided. Collection method: in vitro. Allele origin: not applicable. Functional consequence: retained intron. Not counted in ClinVar's aggregate classification.